The following is an entry in ClinVar:

NM_032043.3(BRIP1):c.2285G>T (p.Arg762Leu)

Gene: BRIP1 (BRCA1 interacting DNA helicase 1; minus strand). Cytogenetic location: 17q23.2.
Variant type: single nucleotide variant.
Coding change: c.2285G>T on transcript NM_032043.3 (MANE Select); coding-DNA position 2285, G replaced by T.
Protein change: p.Arg762Leu; replaces arginine 762 with leucine.
Molecular consequence: missense variant.
Genome position (GRCh38, 1-based): chr17:61,743,107, C>A on the plus strand (G>T on the coding strand, the complement: BRIP1 is on the minus strand). VCF-style: chr17-61743107-C-A. GRCh37 (hg19) VCF-style: chr17-59820468-C-A.
Other names: short protein forms R762L.
Identifiers: ClinVar variation 479431 (VCV000479431.14), dbSNP rs200960251, ClinGen allele CA8690558.

ClinVar aggregate classification (germline): Uncertain significance. Review status: criteria provided, multiple submitters, no conflicts (2 of 4 stars). 2 submissions from 2 submitters: Uncertain significance (2). Last evaluated 2025-10-06.

Conditions:
Hereditary cancer-predisposing syndrome. Also called: Tumor predisposition; Neoplastic Syndromes, Hereditary; Hereditary Cancer Syndrome; Hereditary neoplastic syndrome. Identifiers: Orphanet 140162, MedGen C0027672, MeSH D009386, MONDO:0015356.
Fanconi anemia complementation group J. Also called: BRIP1-Related Fanconi Anemia. Identifiers: Orphanet 84, MedGen C1836860, MONDO:0012187, OMIM 609054.
Familial cancer of breast. Also called: BREAST CANCER, FAMILIAL; Hereditary breast cancer; hereditary breast carcinoma. Identifiers: Orphanet 227535, MedGen C0346153, MONDO:0016419, OMIM 114480. Disease mechanism: loss of function.

gnomAD v4.1: 1 of 1,613,938 alleles (0.000062%); highest among the groups gnomAD compares: South Asian, 0.0011%; no homozygotes.

Submissions (2):

Labcorp Genetics (formerly Invitae), Labcorp
Classification: Uncertain significance for Familial cancer of breast; Fanconi anemia complementation group J. Last evaluated: 2025-10-06. Review status: criteria provided, single submitter. Criteria: Invitae Variant Classification Sherloc (09022015). Collection method: clinical testing. Allele origin: germline.
Comment: This sequence change replaces arginine, which is basic and polar, with leucine, which is neutral and non-polar, at codon 762 of the BRIP1 protein (p.Arg762Leu). This variant is present in population databases (rs200960251, gnomAD 0.003%). This variant has not been reported in the literature in individuals affected with BRIP1-related conditions. ClinVar contains an entry for this variant (Variation ID: 479431). Invitae Evidence Modeling of protein sequence and biophysical properties (such as structural, functional, and spatial information, amino acid conservation, physicochemical variation, residue mobility, and thermodynamic stability) has been performed for this missense variant. However, the output from this modeling did not meet the statistical confidence thresholds required to predict the impact of this variant on BRIP1 protein function. In summary, the available evidence is currently insufficient to determine the role of this variant in disease. Therefore, it has been classified as a Variant of Uncertain Significance.

Ambry Genetics
Classification: Uncertain significance for Hereditary cancer-predisposing syndrome. Last evaluated: 2025-02-04. Review status: criteria provided, single submitter. Criteria: Ambry Variant Classification Scheme 2023. Collection method: clinical testing. Allele origin: germline.
Comment: The p.R762L variant (also known as c.2285G>T), located in coding exon 15 of the BRIP1 gene, results from a G to T substitution at nucleotide position 2285. The arginine at codon 762 is replaced by leucine, an amino acid with dissimilar properties. This amino acid position is highly conserved in available vertebrate species. In addition, this alteration is predicted to be deleterious by in silico analysis. Based on the available evidence, the clinical significance of this variant remains unclear.